The following is an entry in ClinVar:

NM_005732.4(RAD50):c.1177A>T (p.Ile393Phe)

Gene: RAD50 (RAD50 double strand break repair protein; plus strand). Cytogenetic location: 5q31.1.
Variant type: single nucleotide variant.
Coding change: c.1177A>T on transcript NM_005732.4 (MANE Select); coding-DNA position 1177, A replaced by T.
Protein change: p.Ile393Phe; replaces isoleucine 393 with phenylalanine.
Molecular consequence: missense variant.
Genome position (GRCh38, 1-based): chr5:132,588,812, A>T. VCF-style: chr5-132588812-A-T. GRCh37 (hg19) VCF-style: chr5-131924504-A-T.
Other names: short protein forms I393F.
Identifiers: ClinVar variation 650788 (VCV000650788.10), dbSNP rs1060501962, ClinGen allele CA360942799.

ClinVar aggregate classification (germline): Uncertain significance. Review status: criteria provided, multiple submitters, no conflicts (2 of 4 stars). 2 submissions from 2 submitters: Uncertain significance (2). Last evaluated 2025-11-23.

Conditions:
Hereditary cancer-predisposing syndrome. Also called: Neoplastic Syndromes, Hereditary; Tumor predisposition; Hereditary Cancer Syndrome; Hereditary neoplastic syndrome. Identifiers: Orphanet 140162, MedGen C0027672, MeSH D009386, MONDO:0015356.

Submissions (2):

Ambry Genetics
Classification: Uncertain significance for Hereditary cancer-predisposing syndrome. Last evaluated: 2025-11-23. Review status: criteria provided, single submitter. Criteria: Ambry Variant Classification Scheme 2023. Collection method: clinical testing. Allele origin: germline.
Comment: The p.I393F variant (also known as c.1177A>T), located in coding exon 8 of the RAD50 gene, results from an A to T substitution at nucleotide position 1177. The isoleucine at codon 393 is replaced by phenylalanine, an amino acid with highly similar properties. This amino acid position is conserved. In addition, this alteration is predicted to be tolerated by in silico analysis. Based on the available evidence, the clinical significance of this variant remains unclear.

Labcorp Genetics (formerly Invitae), Labcorp
Classification: Uncertain significance for Hereditary cancer-predisposing syndrome. Last evaluated: 2018-10-09. Review status: criteria provided, single submitter. Criteria: Invitae Variant Classification Sherloc (09022015). Collection method: clinical testing. Allele origin: germline.
Comment: This sequence change replaces isoleucine with phenylalanine at codon 393 of the RAD50 protein (p.Ile393Phe). The isoleucine residue is moderately conserved and there is a small physicochemical difference between isoleucine and phenylalanine. This variant is not present in population databases (ExAC no frequency). This variant has not been reported in the literature in individuals with RAD50-related disease. Algorithms developed to predict the effect of missense changes on protein structure and function (SIFT, PolyPhen-2, Align-GVGD) all suggest that this variant is likely to be tolerated, but these predictions have not been confirmed by published functional studies and their clinical significance is uncertain. In summary, the available evidence is currently insufficient to determine the role of this variant in disease. Therefore, it has been classified as a Variant of Uncertain Significance.